The following is an entry in ClinVar:

ClinVar aggregate classification (germline): Uncertain significance (1 of 4 stars; one submission).

Allele frequency attached by ClinVar (database versions not stated): gnomAD exomes below 0.00001; TOPMed below 0.00001; gnomAD 0.00001.
gnomAD v4.1: 3 of 1,614,084 alleles (0.00019%); highest among the groups gnomAD compares: East Asian, 0.0022%; no homozygotes.

Submission:

Labcorp Genetics (formerly Invitae), Labcorp
Classification: Uncertain significance. Last evaluated: 2021-12-02. Review status: criteria provided, single submitter. Criteria: Invitae Variant Classification Sherloc (09022015). Collection method: clinical testing. Allele origin: germline.
Comment: This sequence change affects codon 516 of the ACO2 mRNA. It is a 'silent' change, meaning that it does not change the encoded amino acid sequence of the ACO2 protein. This variant is present in population databases (no rsID available, gnomAD 0.0009%). This variant has not been reported in the literature in individuals affected with ACO2-related conditions. Algorithms developed to predict the effect of sequence changes on RNA splicing suggest that this variant may create or strengthen a splice site. In summary, the available evidence is currently insufficient to determine the role of this variant in disease. Therefore, it has been classified as a Variant of Uncertain Significance.

NM_001098.3(ACO2):c.1548C>T (p.Gly516=)

Gene: ACO2 (aconitase 2; plus strand). Cytogenetic location: 22q13.2.
Variant type: single nucleotide variant.
Coding change: c.1548C>T on transcript NM_001098.3 (MANE Select); coding-DNA position 1548, C replaced by T.
Protein change: p.Gly516=; no amino-acid change (glycine 516 retained).
Molecular consequence: synonymous variant.
Genome position (GRCh38, 1-based): chr22:41,524,911, C>T. VCF-style: chr22-41524911-C-T. GRCh37 (hg19) VCF-style: chr22-41920915-C-T.
Identifiers: ClinVar variation 1401633 (VCV001401633.6), dbSNP rs1426359166, ClinGen allele CA514797544.